The following is an entry in ClinVar:

NM_001040142.2(SCN2A):c.2563-4C>A

Gene: SCN2A (sodium voltage-gated channel alpha subunit 2; plus strand). Cytogenetic location: 2q24.3.
Variant type: single nucleotide variant.
Coding change: c.2563-4C>A on transcript NM_001040142.2 (MANE Select); 4 bases into the intron before coding-DNA position 2563, C replaced by A.
Molecular consequence: intron variant.
Genome position (GRCh38, 1-based): chr2:165,344,551, C>A. VCF-style: chr2-165344551-C-A. GRCh37 (hg19) VCF-style: chr2-166201061-C-A.
Other names: c.2563-4C>A (NM_001040143.2, NM_001371246.1, NM_001371247.1 and 1 more transcripts).
Identifiers: ClinVar variation 212124 (VCV000212124.47), dbSNP rs561375550, ClinGen allele CA206126.
Genomic context (GRCh38, chr2:165,344,551, plus strand): 5'-AAATAAAATTGCAGATTTTTTTAGAAATGCAGAGCATTAACACTGTTCTTGCTTTTATTT[C>A]CAGCTCCGAGTTTTCAAGTTGGCAAAATCTTGGCCAACTCTAAATATGCTAATTAAGATC-3'

ClinVar aggregate classification (germline): Conflicting classifications of pathogenicity. Review status: criteria provided, conflicting classifications (1 of 4 stars). 5 submissions from 5 submitters: Uncertain significance (1); Likely benign (4). Last evaluated 2025-07-01.

Conditions:
Developmental and epileptic encephalopathy, 11 (DEE11). Also called: Early infantile epileptic encephalopathy 11. Identifiers: Orphanet 1934, MedGen C3150987, MONDO:0013388, OMIM 613721.
Seizures, benign familial infantile, 3 (BFIS3). Also called: CONVULSIONS, BENIGN FAMILIAL INFANTILE, 3; Familial neonatal seizures. Identifiers: Orphanet 140927, Orphanet 306, MedGen C1843140, MONDO:0011904, OMIM 607745.

Allele frequency attached by ClinVar (database versions not stated): gnomAD 0.00003; TOPMed 0.00006; ExAC 0.00007.
gnomAD v4.1: 171 of 1,613,498 alleles (0.011%); highest among the groups gnomAD compares: Non-Finnish European, 0.014%; no homozygotes.

Submissions (5):

CeGaT Center for Human Genetics Tuebingen
Classification: Likely benign. Last evaluated: 2025-07-01. Review status: criteria provided, single submitter. Criteria: CeGaT Center For Human Genetics Tuebingen Variant Classification Criteria Version 2. Collection method: clinical testing. Allele origin: germline. Affected: yes. Observed: 4 variant alleles.
Comment: SCN2A: PM2:Supporting, BP4, BP5

Labcorp Genetics (formerly Invitae), Labcorp
Classification: Likely benign for Seizures, benign familial infantile, 3; Developmental and epileptic encephalopathy, 11. Last evaluated: 2024-12-28. Review status: criteria provided, single submitter. Criteria: Invitae Variant Classification Sherloc (09022015). Collection method: clinical testing. Allele origin: germline.

Blueprint Genetics
Classification: Likely benign. Last evaluated: 2024-11-18. Review status: criteria provided, single submitter. Criteria: ACMG Guidelines, 2015. Collection method: clinical testing. Allele origin: germline.

GeneDx
Classification: Likely benign. Last evaluated: 2017-03-06. Review status: criteria provided, single submitter. Criteria: GeneDx Variant Classification (06012015). Collection method: clinical testing. Allele origin: germline. Affected: yes.
Comment: This variant is considered likely benign or benign based on one or more of the following criteria: it is a conservative change, it occurs at a poorly conserved position in the protein, it is predicted to be benign by multiple in silico algorithms, and/or has population frequency not consistent with disease.

Genetic Services Laboratory, University of Chicago
Classification: Uncertain significance. Last evaluated: 2015-07-22. Review status: criteria provided, single submitter. Criteria: ACMG Guidelines, 2015. Collection method: clinical testing. Allele origin: germline.